The following is an entry in ClinVar:

ClinVar aggregate classification (germline): Likely benign (1 of 4 stars; one submission).

Allele frequency attached by ClinVar (database versions not stated): TOPMed below 0.00001; gnomAD 0.00004 and 0.00005.
gnomAD v4.1: 13 of 1,210,764 alleles (0.0011%); highest among the groups gnomAD compares: African/African-American, 0.007%; no homozygotes.

Submission:

GeneDx
Classification: Likely benign. Last evaluated: 2017-03-28. Review status: criteria provided, single submitter. Criteria: GeneDx Variant Classification (06012015). Collection method: clinical testing. Allele origin: germline. Affected: yes.
Comment: This variant is considered likely benign or benign based on one or more of the following criteria: it is a conservative change, it occurs at a poorly conserved position in the protein, it is predicted to be benign by multiple in silico algorithms, and/or has population frequency not consistent with disease.

NM_001029896.2(WDR45):c.378C>T (p.Tyr126=)

Gene: WDR45 (WD repeat domain 45; minus strand). Cytogenetic location: Xp11.23.
Variant type: single nucleotide variant.
Coding change: c.378C>T on transcript NM_001029896.2 (MANE Select); coding-DNA position 378, C replaced by T.
Protein change: p.Tyr126=; no amino-acid change (tyrosine 126 retained).
Molecular consequence: synonymous variant.
Genome position (GRCh38, 1-based): chrX:49,076,488, G>A on the plus strand (C>T on the coding strand, the complement: WDR45 is on the minus strand). VCF-style: chrX-49076488-G-A. GRCh37 (hg19) VCF-style: chrX-48934147-G-A.
Other names: c.381C>T, p.Tyr127= (NM_007075.4).
Identifiers: ClinVar variation 507995 (VCV000507995.1), dbSNP rs1361055322, ClinGen allele CA516042857.